The following is an entry in ClinVar:

NM_001267550.2(TTN):c.45617-12G>A

Gene: TTN (titin; minus strand). Cytogenetic location: 2q31.2.
Variant type: single nucleotide variant.
Coding change: c.45617-12G>A on transcript NM_001267550.2 (MANE Select); 12 bases into the intron before coding-DNA position 45617, G replaced by A.
Molecular consequence: intron variant.
Genome position (GRCh38, 1-based): chr2:178,621,005, C>T on the plus strand (G>A on the coding strand, the complement: TTN is on the minus strand). VCF-style: chr2-178621005-C-T. GRCh37 (hg19) VCF-style: chr2-179485732-C-T.
Other names: c.18422-12G>A (NM_003319.4); c.18998-12G>A (NM_133437.4); c.18797-12G>A (NM_133432.3); c.37913-12G>A (NM_133378.4); c.40694-12G>A (NM_001256850.1).
Identifiers: ClinVar variation 1193554 (VCV001193554.3), dbSNP rs769492898, ClinGen allele CA1995392.

ClinVar aggregate classification (germline): Uncertain significance. Review status: criteria provided, multiple submitters, no conflicts (2 of 4 stars). 2 submissions from 2 submitters: Uncertain significance (2). Last evaluated 2024-08-07.

Allele frequency attached by ClinVar (database versions not stated): gnomAD exomes below 0.00001 and 0.00001; TOPMed below 0.00001; gnomAD 0.00001; ExAC 0.00002.
gnomAD v4.1: 7 of 1,607,698 alleles (0.00044%); highest among the groups gnomAD compares: Admixed American, 0.0034%; no homozygotes.

Submissions (2):

Blueprint Genetics
Classification: Uncertain significance. Last evaluated: 2024-08-07. Review status: criteria provided, single submitter. Criteria: ACMG Guidelines, 2015. Collection method: clinical testing. Allele origin: germline.

GeneDx
Classification: Uncertain significance. Last evaluated: 2020-02-20. Review status: criteria provided, single submitter. Criteria: GeneDx Variant Classification Process June 2021. Collection method: clinical testing. Allele origin: germline. Affected: yes.
Comment: Not observed at a significant frequency in large population cohorts (Lek et al., 2016); Has not been previously published as pathogenic or benign to our knowledge; In-silico analysis, which includes splice predictors and evolutionary conservation, is inconclusive as to whether the variant alters gene splicing. In the absence of RNA/functional studies, the actual effect of this sequence change is unknown.